The following is an entry in ClinVar:

ClinVar aggregate classification (germline): Uncertain significance. Review status: criteria provided, multiple submitters, no conflicts (2 of 4 stars). 2 submissions from 2 submitters: Uncertain significance (2). Last evaluated 2022-03-08.

Conditions:
Fanconi anemia complementation group O. Also called: RAD51C-Related Fanconi Anemia. Identifiers: Orphanet 84, MedGen C3150653, MONDO:0013248, OMIM 613390.

Submissions (2):

Labcorp Genetics (formerly Invitae), Labcorp
Classification: Uncertain significance for Fanconi anemia complementation group O. Last evaluated: 2022-03-08. Review status: criteria provided, single submitter. Criteria: Invitae Variant Classification Sherloc (09022015). Collection method: clinical testing. Allele origin: germline.
Comment: In summary, the available evidence is currently insufficient to determine the role of this variant in disease. Therefore, it has been classified as a Variant of Uncertain Significance. Algorithms developed to predict the effect of missense changes on protein structure and function are either unavailable or do not agree on the potential impact of this missense change (SIFT: "Tolerated"; PolyPhen-2: "Possibly Damaging"; Align-GVGD: "Class C0"). ClinVar contains an entry for this variant (Variation ID: 577849). This variant has not been reported in the literature in individuals affected with RAD51C-related conditions. This variant is not present in population databases (gnomAD no frequency). This sequence change replaces proline, which is neutral and non-polar, with leucine, which is neutral and non-polar, at codon 330 of the RAD51C protein (p.Pro330Leu).

Women's Health and Genetics/Laboratory Corporation of America, LabCorp
Classification: Uncertain significance. Last evaluated: 2018-06-15. Review status: criteria provided, single submitter. Criteria: LabCorp Variant Classification Summary - May 2015. Collection method: clinical testing. Allele origin: germline.
Comment: Variant summary: RAD51C c.989C>T (p.Pro330Leu) results in a non-conservative amino acid change located in the C-terminal domain of the encoded protein sequence. Five of five in-silico tools predict a damaging effect of the variant on protein function. The variant was absent in 246140 control chromosomes (gnomAD). The available data on variant occurrences in the general population are insufficient to allow any conclusion about variant significance. To our knowledge, no occurrence of c.989C>T in individuals affected with Hereditary Breast and Ovarian Cancer and no experimental evidence demonstrating its impact on protein function have been reported. No clinical diagnostic laboratories have submitted clinical-significance assessments for this variant to ClinVar after 2014. Based on the evidence outlined above, the variant was classified as uncertain significance.

NM_058216.3(RAD51C):c.989C>T (p.Pro330Leu)

Gene: RAD51C (RAD51 paralog C; plus strand). Cytogenetic location: 17q22.
Variant type: single nucleotide variant.
Coding change: c.989C>T on transcript NM_058216.3 (MANE Select); coding-DNA position 989, C replaced by T.
Protein change: p.Pro330Leu; replaces proline 330 with leucine.
Molecular consequence: missense variant. On other transcripts: non-coding transcript variant (1).
Genome position (GRCh38, 1-based): chr17:58,732,507, C>T. VCF-style: chr17-58732507-C-T. GRCh37 (hg19) VCF-style: chr17-56809868-C-T.
Other names: short protein forms P330L.
Identifiers: ClinVar variation 577849 (VCV000577849.10), dbSNP rs1567817392, ClinGen allele CA400364947.
Genomic context (GRCh38, chr17:58,732,507, plus strand): 5'-ATGTGTTTGTATGTATTTATTCTTTTTCTTTAAGCAGGTTGGCAACATTGTACAAGTCAC[C>T]CAGCCAGAAGGAATGCACAGTACTGTTTCAAATCAAAGTCAGTATTATTTGATTAGAGTG-3'
Protein context (NP_478123.1, residues 320-340): KQRLATLYKS[Pro330Leu]SQKECTVLFQ